The following is an entry in ClinVar:

NM_001429.4(EP300):c.5326A>G (p.Asn1776Asp)

Gene: EP300 (EP300 lysine acetyltransferase; plus strand). Cytogenetic location: 22q13.2.
Variant type: single nucleotide variant.
Coding change: c.5326A>G on transcript NM_001429.4 (MANE Select); coding-DNA position 5326, A replaced by G.
Protein change: p.Asn1776Asp; replaces asparagine 1776 with aspartic acid.
Molecular consequence: missense variant.
Genome position (GRCh38, 1-based): chr22:41,177,037, A>G. VCF-style: chr22-41177037-A-G. GRCh37 (hg19) VCF-style: chr22-41573041-A-G.
Other names: c.5248A>G, p.Asn1750Asp (NM_001362843.2); short protein forms N1750D, N1776D.
Identifiers: ClinVar variation 4685339 (VCV004685339.1).

ClinVar aggregate classification (germline): Uncertain significance (1 of 4 stars; one submission).

Submission:

GeneDx
Classification: Uncertain significance. Last evaluated: 2025-07-11. Review status: criteria provided, single submitter. Criteria: GeneDx Variant Classification Process June 2021. Collection method: clinical testing. Allele origin: germline. Affected: yes.
Comment: Not observed at significant frequency in large population cohorts (gnomAD); In silico analysis supports that this missense variant has a deleterious effect on protein structure/function; Has not been previously published as pathogenic or benign to our knowledge